The following is an entry in ClinVar:

NM_000384.3(APOB):c.9149C>A (p.Thr3050Lys)

Gene: APOB (apolipoprotein B; minus strand). Cytogenetic location: 2p24.1.
Variant type: single nucleotide variant.
Coding change: c.9149C>A on transcript NM_000384.3 (MANE Select); coding-DNA position 9149, C replaced by A.
Protein change: p.Thr3050Lys; replaces threonine 3050 with lysine.
Molecular consequence: missense variant.
Genome position (GRCh38, 1-based): chr2:21,007,719, G>T on the plus strand (C>A on the coding strand, the complement: APOB is on the minus strand). VCF-style: chr2-21007719-G-T. GRCh37 (hg19) VCF-style: chr2-21230591-G-T.
Other names: c.9149C>A (NM_000384.2); short protein forms T3050K.
Identifiers: ClinVar variation 4789281 (VCV004789281.2).

ClinVar aggregate classification (germline): Uncertain significance. Review status: criteria provided, multiple submitters, no conflicts (2 of 4 stars). 2 submissions from 2 submitters: Uncertain significance (2). Last evaluated 2026-07-02.

Conditions:
Familial hypobetalipoproteinemia 1. Also called: Hypobetalipoproteinemia, normotriglyceridemic; Acanthocytosis with hypobetalipoproteinemia; APOB-Related Familial Hypobetalipoproteinemia. Identifiers: MedGen C4551990, MONDO:0014252, OMIM 615558.
Hypercholesterolemia, autosomal dominant, type B (FHCL2). Also called: Familial Hypercholesterolemia Type B; APOLIPOPROTEIN B-100, FAMILIAL DEFECTIVE; APOLIPOPROTEIN B-100, FAMILIAL LIGAND-DEFECTIVE; HYPERCHOLESTEROLEMIA, FAMILIAL, DUE TO LIGAND-DEFECTIVE APOLIPOPROTEIN B; Hyperlipoproteinemia Type IIb; Familial hypercholesterolemia 2. Identifiers: MedGen C1704417, MONDO:0007751, OMIM 144010.
Cardiovascular phenotype. Identifiers: MedGen CN230736.

Submissions (2):

Ambry Genetics
Classification: Uncertain significance for Cardiovascular phenotype. Last evaluated: 2026-07-02. Review status: criteria provided, single submitter. Criteria: Ambry Variant Classification Scheme 2023. Collection method: clinical testing. Allele origin: germline.
Comment: The p.T3050K variant (also known as c.9149C>A), located in coding exon 26 of the APOB gene, results from a C to A substitution at nucleotide position 9149. The threonine at codon 3050 is replaced by lysine, an amino acid with similar properties. This amino acid position is conserved. In addition, this alteration is predicted to be tolerated by in silico analysis. Based on the available evidence, the clinical significance of this variant remains unclear.

Labcorp Genetics (formerly Invitae), Labcorp
Classification: Uncertain significance for Familial hypobetalipoproteinemia 1; Hypercholesterolemia, autosomal dominant, type B. Last evaluated: 2025-03-20. Review status: criteria provided, single submitter. Criteria: Invitae Variant Classification Sherloc (09022015). Collection method: clinical testing. Allele origin: germline.
Comment: This sequence change replaces threonine, which is neutral and polar, with lysine, which is basic and polar, at codon 3050 of the APOB protein (p.Thr3050Lys). This variant is not present in population databases (gnomAD no frequency). This variant has not been reported in the literature in individuals affected with APOB-related conditions. Invitae Evidence Modeling of protein sequence and biophysical properties (such as structural, functional, and spatial information, amino acid conservation, physicochemical variation, residue mobility, and thermodynamic stability) indicates that this missense variant is not expected to disrupt APOB protein function with a negative predictive value of 95%. In summary, the available evidence is currently insufficient to determine the role of this variant in disease. Therefore, it has been classified as a Variant of Uncertain Significance.